The following is an entry in ClinVar:

NM_007194.4(CHEK2):c.222T>A (p.Ile74=)

Gene: CHEK2 (checkpoint kinase 2; minus strand). Cytogenetic location: 22q12.1.
Variant type: single nucleotide variant.
Coding change: c.222T>A on transcript NM_007194.4 (MANE Select); coding-DNA position 222, T replaced by A.
Protein change: p.Ile74=; no amino-acid change (isoleucine 74 retained).
Molecular consequence: synonymous variant.
Genome position (GRCh38, 1-based): chr22:28,734,500, A>T on the plus strand (T>A on the coding strand, the complement: CHEK2 is on the minus strand). VCF-style: chr22-28734500-A-T. GRCh37 (hg19) VCF-style: chr22-29130488-A-T.
Other names: c.222T>A, p.Ile74= (NM_001005735.3, NM_001349956.3, NM_145862.3); c.-556T>A (NM_001257387.3).
Identifiers: ClinVar variation 3772809 (VCV003772809.1).

ClinVar aggregate classification (germline): Benign (1 of 4 stars; one submission).

Conditions:
Familial cancer of breast. Also called: Hereditary breast cancer; BREAST CANCER, FAMILIAL; hereditary breast carcinoma. Identifiers: Orphanet 227535, MedGen C0346153, MONDO:0016419, OMIM 114480. Disease mechanism: loss of function.

Submission:

Myriad Genetics, Inc.
Classification: Benign for Familial cancer of breast. Last evaluated: 2024-10-01. Review status: criteria provided, single submitter. Criteria: Myriad Autosomal Dominant, Autosomal Recessive and X-Linked Classification Criteria (2023). Collection method: clinical testing. Allele origin: unknown.
Comment: This variant is considered benign. This variant is a silent/synonymous amino acid change and it is not expected to impact splicing.